The following is an entry in ClinVar:

ClinVar aggregate classification (germline): Uncertain significance (1 of 4 stars; one submission).

Conditions:
Brown-Vialetto-van Laere syndrome 2. Also called: SPINOCEREBELLAR ATAXIA WITH BLINDNESS AND DEAFNESS 2; Riboflavin transporter deficiency type 2. Identifiers: Orphanet 572543, Orphanet 97229, MedGen C3553538, MONDO:0013867, OMIM 614707.

Allele frequency attached by ClinVar (database versions not stated): ExAC 0.00002; ESP Exome Variant Server 0.00008; 1000 Genomes Project 0.00040; 1000 Genomes Project 30x 0.00078.
gnomAD v4.1: 20 of 1,613,862 alleles (0.0012%); highest among the groups gnomAD compares: African/African-American, 0.021%; no homozygotes.

Submission:

Labcorp Genetics (formerly Invitae), Labcorp
Classification: Uncertain significance for Brown-Vialetto-van Laere syndrome 2. Last evaluated: 2021-08-31. Review status: criteria provided, single submitter. Criteria: Invitae Variant Classification Sherloc (09022015). Collection method: clinical testing. Allele origin: germline.
Comment: This sequence change replaces valine with leucine at codon 53 of the SLC52A2 protein (p.Val53Leu). The valine residue is highly conserved and there is a small physicochemical difference between valine and leucine. This variant is present in population databases (rs150137023, ExAC 0.01%). This variant has not been reported in the literature in individuals affected with SLC52A2-related conditions. Algorithms developed to predict the effect of missense changes on protein structure and function (SIFT, PolyPhen-2, Align-GVGD) all suggest that this variant is likely to be tolerated. In summary, the available evidence is currently insufficient to determine the role of this variant in disease. Therefore, it has been classified as a Variant of Uncertain Significance.

NM_001363118.2(SLC52A2):c.157G>C (p.Val53Leu)

Gene: SLC52A2 (solute carrier family 52 member 2; plus strand). Cytogenetic location: 8q24.3.
Variant type: single nucleotide variant.
Coding change: c.157G>C on transcript NM_001363118.2 (MANE Select); coding-DNA position 157, G replaced by C.
Protein change: p.Val53Leu; replaces valine 53 with leucine.
Molecular consequence: missense variant. On other transcripts: non-coding transcript variant (1), intron variant (1).
Genome position (GRCh38, 1-based): chr8:144,359,649, G>C. VCF-style: chr8-144359649-G-C. GRCh37 (hg19) VCF-style: chr8-145583309-G-C.
Other names: c.157G>C, p.Val53Leu (NM_001253815.2, NM_001253816.2, NM_001363120.2 and 2 more transcripts); c.-108G>C (NM_001410949.1); c.130+226G>C (NM_001363122.2); short protein forms V53L.
Identifiers: ClinVar variation 2415988 (VCV002415988.5), dbSNP rs150137023, ClinGen allele CA4938134.
Genomic context (GRCh38, chr8:144,359,649, plus strand): 5'-ATGACCCTGACATGGCCTCCTCCCTTCCCTGCAGGTTGGAGCCTCCCCTCTTACGTCTCT[G>C]TGCTTGTGGCTCTGGGGAACCTGGGTCTGCTGGTGGTGACCCTCTGGAGGAGGCTGGCCC-3'
Protein context (NP_001350047.1, residues 43-63): EGWSLPSYVS[Val53Leu]LVALGNLGLL